The following is an entry in ClinVar:

ClinVar aggregate classification (germline): Uncertain significance. Review status: criteria provided, multiple submitters, no conflicts (2 of 4 stars). 2 submissions from 2 submitters: Uncertain significance (2). Last evaluated 2025-09-24.

Conditions:
Hereditary cancer-predisposing syndrome. Also called: Hereditary Cancer Syndrome; Hereditary neoplastic syndrome; Neoplastic Syndromes, Hereditary; Tumor predisposition. Identifiers: Orphanet 140162, MedGen C0027672, MeSH D009386, MONDO:0015356.
DICER1-related tumor predisposition. Also called: DICER1-related pleuropulmonary blastoma cancer predisposition syndrome; DICER1 syndrome. Identifiers: Orphanet 284343, MedGen C3839822, MONDO:0100216.

Submissions (2):

Labcorp Genetics (formerly Invitae), Labcorp
Classification: Uncertain significance for DICER1-related tumor predisposition. Last evaluated: 2025-09-24. Review status: criteria provided, single submitter. Criteria: Invitae Variant Classification Sherloc (09022015). Collection method: clinical testing. Allele origin: germline.
Comment: This sequence change falls in intron 6 of the DICER1 gene. It does not directly change the encoded amino acid sequence of the DICER1 protein. It affects a nucleotide within the consensus splice site. This variant is not present in population databases (gnomAD no frequency). This variant has not been reported in the literature in individuals affected with DICER1-related conditions. ClinVar contains an entry for this variant (Variation ID: 3501892). Variants that disrupt the consensus splice site are a relatively common cause of aberrant splicing (PMID: 17576681, 9536098). Algorithms developed to predict the effect of sequence changes on RNA splicing suggest that this variant is not likely to affect RNA splicing. In summary, the available evidence is currently insufficient to determine the role of this variant in disease. Therefore, it has been classified as a Variant of Uncertain Significance.

Ambry Genetics
Classification: Uncertain significance for Hereditary cancer-predisposing syndrome. Last evaluated: 2024-09-13. Review status: criteria provided, single submitter. Criteria: Ambry Variant Classification Scheme 2023. Collection method: clinical testing. Allele origin: germline.
Comment: The c.734+4T>G intronic variant results from a T to G substitution 4 nucleotides after coding exon 5 in the DICER1 gene. This nucleotide position is not well conserved in available vertebrate species. In silico splice site analysis predicts that this alteration will not have any significant effect on splicing. Based on the available evidence, the clinical significance of this variant remains unclear.

Literature cited by the submitters: PubMed 17576681 (cited by Labcorp Genetics (formerly Invitae), Labcorp); PubMed 9536098 (cited by Labcorp Genetics (formerly Invitae), Labcorp).

NM_177438.3(DICER1):c.734+4T>G

Gene: DICER1 (dicer 1, ribonuclease III; minus strand). Cytogenetic location: 14q32.13.
Variant type: single nucleotide variant.
Coding change: c.734+4T>G on transcript NM_177438.3 (MANE Select); 4 bases into the intron after coding-DNA position 734, T replaced by G.
Molecular consequence: intron variant.
Genome position (GRCh38, 1-based): chr14:95,129,468, A>C on the plus strand (T>G on the coding strand, the complement: DICER1 is on the minus strand). VCF-style: chr14-95129468-A-C. GRCh37 (hg19) VCF-style: chr14-95595805-A-C.
Other names: c.734+4T>G (NM_001291628.2, NM_030621.4, NM_001395677.1 and 14 more transcripts); c.329+4T>G (NM_001395690.1, NM_001395687.1, NM_001395689.1 and 3 more transcripts); c.452+4T>G (NM_001395686.1); c.167+4T>G (NM_001395691.1); c.-835+4T>G (NM_001395697.1).
Identifiers: ClinVar variation 3501892 (VCV003501892.2).